The following is an entry in ClinVar:

NM_000548.5(TSC2):c.1121C>T (p.Thr374Ile)

Gene: TSC2 (TSC complex subunit 2; plus strand). Cytogenetic location: 16p13.3.
Variant type: single nucleotide variant.
Coding change: c.1121C>T on transcript NM_000548.5 (MANE Select); coding-DNA position 1121, C replaced by T.
Protein change: p.Thr374Ile; replaces threonine 374 with isoleucine.
Molecular consequence: missense variant. On other transcripts: 5 prime UTR variant (10), non-coding transcript variant (5).
Genome position (GRCh38, 1-based): chr16:2,061,872, C>T. VCF-style: chr16-2061872-C-T. GRCh37 (hg19) VCF-style: chr16-2111873-C-T.
Other names: c.1121C>T, p.Thr374Ile (NM_001077183.3, NM_001363528.2, NM_001370404.1 and 6 more transcripts); c.1010C>T, p.Thr337Ile (NM_001318827.2, NM_001406670.1, NM_001406678.1); c.974C>T, p.Thr325Ile (NM_001318829.2, NM_001406679.1, NM_001406675.1 and 1 more transcripts); c.521C>T, p.Thr174Ile (NM_001318831.2, NM_001406680.1, NM_001406682.1 and 6 more transcripts); c.1154C>T, p.Thr385Ile (NM_001318832.2); c.659C>T, p.Thr220Ile (NM_001406681.1); c.-224C>T (NM_001406689.1, NM_001406690.1, NM_001406691.1 and 4 more transcripts); c.-192C>T (NM_001406694.1, NM_001406695.1); and 4 more; short protein forms T337I, T404I, T325I, T370I, T220I, T174I, T355I, T374I.
Identifiers: ClinVar variation 2765830 (VCV002765830.3), dbSNP rs1440918649, ClinGen allele CA394319752.
Genomic context (GRCh38, chr16:2,061,872, plus strand): 5'-GGTGCCAAGTCCATGTGGGGAGTGGAAGTCAGCCTGTGTCATCGTGCCTGGTACTGCAGA[C>T]CTTGGACAGCCCGGAGCTCAGGACCATCGTCCATGACCTGTTGACCACGGTGGAGGAGCT-3'
Protein context (NP_000539.2, residues 364-384): IIERLLQQLQ[Thr374Ile]LDSPELRTIV

ClinVar aggregate classification (germline): Uncertain significance (1 of 4 stars; one submission).

Conditions:
Tuberous sclerosis 2 (TSC2). Identifiers: Orphanet 805, MedGen C1860707, MONDO:0013199, OMIM 613254.

Submission:

Labcorp Genetics (formerly Invitae), Labcorp
Classification: Uncertain significance for Tuberous sclerosis 2. Last evaluated: 2023-10-19. Review status: criteria provided, single submitter. Criteria: Invitae Variant Classification Sherloc (09022015). Collection method: clinical testing. Allele origin: germline.
Comment: This sequence change replaces threonine, which is neutral and polar, with isoleucine, which is neutral and non-polar, at codon 374 of the TSC2 protein (p.Thr374Ile). This variant is not present in population databases (gnomAD no frequency). This variant has not been reported in the literature in individuals affected with TSC2-related conditions. An algorithm developed to predict the effect of missense changes on protein structure and function (PolyPhen-2) suggests that this variant is likely to be tolerated. In summary, the available evidence is currently insufficient to determine the role of this variant in disease. Therefore, it has been classified as a Variant of Uncertain Significance.